The following is an entry in ClinVar:

NM_000051.4(ATM):c.8135G>A (p.Arg2712Lys)

Genes: ATM (ATM serine/threonine kinase; plus strand), C11orf65 (chromosome 11 open reading frame 65; minus strand). Cytogenetic location: 11q22.3.
Variant type: single nucleotide variant.
Coding change: c.8135G>A on transcript NM_000051.4 (MANE Select); coding-DNA position 8135, G replaced by A.
Protein change: p.Arg2712Lys; replaces arginine 2712 with lysine.
Molecular consequence: missense variant. On other transcripts: intron variant (2).
Genome position (GRCh38, 1-based): chr11:108,335,093, G>A. VCF-style: chr11-108335093-G-A. GRCh37 (hg19) VCF-style: chr11-108205820-G-A.
Other names: c.8135G>A, p.Arg2712Lys (NM_001351834.2); c.641-26022C>T (NM_001330368.2); c.*38+127C>T (NM_001351110.2); short protein forms R2712K.
Identifiers: ClinVar variation 827476 (VCV000827476.7), dbSNP rs1591192346, ClinGen allele CA382562211.

ClinVar aggregate classification (germline): Uncertain significance (1 of 4 stars; one submission).

Conditions:
Hereditary cancer-predisposing syndrome. Also called: Tumor predisposition; Neoplastic Syndromes, Hereditary; Hereditary Cancer Syndrome; Hereditary neoplastic syndrome. Identifiers: Orphanet 140162, MedGen C0027672, MeSH D009386, MONDO:0015356.

Submission:

Ambry Genetics
Classification: Uncertain significance for Hereditary cancer-predisposing syndrome. Last evaluated: 2025-05-31. Review status: criteria provided, single submitter. Criteria: Ambry Variant Classification Scheme 2023. Collection method: clinical testing. Allele origin: germline.
Comment: The p.R2712K variant (also known as c.8135G>A), located in coding exon 54 of the ATM gene, results from a G to A substitution at nucleotide position 8135. The arginine at codon 2712 is replaced by lysine, an amino acid with highly similar properties. This amino acid position is highly conserved in available vertebrate species. In addition, this alteration is predicted to be deleterious by in silico analysis. Since supporting evidence is limited at this time, the clinical significance of this alteration remains unclear.